The following is an entry in ClinVar:

NM_138288.4(SPTSSA):c.152C>T (p.Thr51Ile)

Gene: SPTSSA (serine palmitoyltransferase small subunit A; minus strand). Cytogenetic location: 14q13.1.
Variant type: single nucleotide variant.
Coding change: c.152C>T on transcript NM_138288.4 (MANE Select); coding-DNA position 152, C replaced by T.
Protein change: p.Thr51Ile; replaces threonine 51 with isoleucine.
Molecular consequence: missense variant.
Genome position (GRCh38, 1-based): chr14:34,435,265, G>A on the plus strand (C>T on the coding strand, the complement: SPTSSA is on the minus strand). VCF-style: chr14-34435265-G-A. GRCh37 (hg19) VCF-style: chr14-34904471-G-A.
Other names: p.T51I; short protein forms T51I.
Identifiers: ClinVar variation 2505470 (VCV002505470.5), dbSNP rs2502075796, ClinGen allele CA389489804.

ClinVar aggregate classification (germline): Pathogenic. Review status: no assertion criteria provided (0 of 4 stars). 2 submissions from 2 submitters: Pathogenic (2). Last evaluated 2025-06-04.

Conditions:
Spastic paraplegia 90A, autosomal dominant (SPG90A). Identifiers: MedGen C5830574, MONDO:0957308, OMIM 620416.

Submissions (2):

OMIM
Classification: Pathogenic for SPASTIC PARAPLEGIA 90A, AUTOSOMAL DOMINANT. Last evaluated: 2025-06-04. Review status: no assertion criteria provided. Collection method: literature only. Allele origin: germline.

Undiagnosed Diseases Network, NIH
Classification: Pathogenic for Spastic paraplegia 90A, autosomal dominant. Last evaluated: 2023-04-01. Review status: no assertion criteria provided. Collection method: clinical testing. Allele origin: de novo. Inheritance: Autosomal dominant inheritance. Affected: yes. Observed: 1 variant allele, 1 heterozygote. Study: Undiagnosed Diseases Network (NIH), UDN.

Literature cited by the submitters: PubMed 36718090 (cited by OMIM and Undiagnosed Diseases Network, NIH).